The following is an entry in ClinVar:

ClinVar aggregate classification (germline): Uncertain significance (1 of 4 stars; one submission).

Submission:

GeneDx
Classification: Uncertain significance. Last evaluated: 2025-05-12. Review status: criteria provided, single submitter. Criteria: GeneDx Variant Classification Process June 2021. Collection method: clinical testing. Allele origin: germline. Affected: yes.
Comment: Has not been previously published as pathogenic or benign to our knowledge; In silico analysis supports that this missense variant has a deleterious effect on protein structure/function

NM_022552.5(DNMT3A):c.2029C>T (p.His677Tyr)

Gene: DNMT3A (DNA methyltransferase 3 alpha; minus strand). Cytogenetic location: 2p23.3.
Variant type: single nucleotide variant.
Coding change: c.2029C>T on transcript NM_022552.5 (MANE Select); coding-DNA position 2029, C replaced by T.
Protein change: p.His677Tyr; replaces histidine 677 with tyrosine.
Molecular consequence: missense variant. On other transcripts: non-coding transcript variant (1).
Genome position (GRCh38, 1-based): chr2:25,241,615, G>A on the plus strand (C>T on the coding strand, the complement: DNMT3A is on the minus strand). VCF-style: chr2-25241615-G-A. GRCh37 (hg19) VCF-style: chr2-25464484-G-A.
Other names: c.1573C>T, p.His525Tyr (NM_001320893.1); c.1360C>T, p.His454Tyr (NM_001375819.1); c.1462C>T, p.His488Tyr (NM_153759.3); c.2029C>T, p.His677Tyr (NM_175629.2); short protein forms H454Y, H488Y, H525Y, H677Y.
Identifiers: ClinVar variation 4529774 (VCV004529774.1).